The following is an entry in ClinVar:

ClinVar aggregate classification (germline): Conflicting classifications of pathogenicity. Review status: criteria provided, conflicting classifications (1 of 4 stars). 3 submissions from 3 submitters: Uncertain significance (2); Likely benign (1). Last evaluated 2025-11-11.

Conditions:
Cardiovascular phenotype. Identifiers: MedGen CN230736.
ANKRD1-related dilated cardiomyopathy. Identifiers: MedGen CN119551.

Allele frequency attached by ClinVar (database versions not stated): TOPMed 0.00002.
gnomAD v4.1: 39 of 1,613,700 alleles (0.0024%); highest among the groups gnomAD compares: Admixed American, 0.018%; no homozygotes.

Submissions (3):

Labcorp Genetics (formerly Invitae), Labcorp
Classification: Uncertain significance for ANKRD1-related dilated cardiomyopathy. Last evaluated: 2025-11-11. Review status: criteria provided, single submitter. Criteria: Invitae Variant Classification Sherloc (09022015). Collection method: clinical testing. Allele origin: germline.
Comment: This sequence change replaces arginine, which is basic and polar, with histidine, which is basic and polar, at codon 315 of the ANKRD1 protein (p.Arg315His). This variant is present in population databases (rs746392266, gnomAD 0.03%). This variant has not been reported in the literature in individuals affected with ANKRD1-related conditions. ClinVar contains an entry for this variant (Variation ID: 201669). An algorithm developed to predict the effect of missense changes on protein structure and function (PolyPhen-2) suggests that this variant is likely to be tolerated. In summary, the available evidence is currently insufficient to determine the role of this variant in disease. Therefore, it has been classified as a Variant of Uncertain Significance.

Ambry Genetics
Classification: Likely benign for Cardiovascular phenotype. Last evaluated: 2025-05-09. Review status: criteria provided, single submitter. Criteria: Ambry Variant Classification Scheme 2023. Collection method: clinical testing. Allele origin: germline.

GeneDx
Classification: Uncertain significance. Last evaluated: 2020-12-22. Review status: criteria provided, single submitter. Criteria: GeneDx Variant Classification Process June 2021. Collection method: clinical testing. Allele origin: germline. Affected: yes.
Comment: Has not been previously published as pathogenic or benign to our knowledge; In silico analysis supports that this missense variant does not alter protein structure/function

NM_014391.3(ANKRD1):c.944G>A (p.Arg315His)

Gene: ANKRD1 (ankyrin repeat domain 1; minus strand). Cytogenetic location: 10q23.31.
Variant type: single nucleotide variant.
Coding change: c.944G>A on transcript NM_014391.3 (MANE Select); coding-DNA position 944, G replaced by A.
Protein change: p.Arg315His; replaces arginine 315 with histidine.
Molecular consequence: missense variant.
Genome position (GRCh38, 1-based): chr10:90,912,882, C>T on the plus strand (G>A on the coding strand, the complement: ANKRD1 is on the minus strand). VCF-style: chr10-90912882-C-T. GRCh37 (hg19) VCF-style: chr10-92672639-C-T.
Other names: p.R315H:CGC>CAC; short protein forms R315H.
Identifiers: ClinVar variation 201669 (VCV000201669.12), dbSNP rs746392266, ClinGen allele CA335083.